The following is an entry in ClinVar:

ClinVar aggregate classification (germline): Uncertain significance. Review status: criteria provided, multiple submitters, no conflicts (2 of 4 stars). 3 submissions from 3 submitters: Uncertain significance (3). Last evaluated 2026-06-23.

Conditions:
Inborn genetic diseases. Identifiers: MedGen C0950123, MeSH D030342.
Progressive sclerosing poliodystrophy (MTDPS4A). Also called: Mitochondrial DNA depletion syndrome 4A (Alpers type); NEURONAL DEGENERATION OF CHILDHOOD WITH LIVER DISEASE, PROGRESSIVE; ALPERS DIFFUSE DEGENERATION OF CEREBRAL GRAY MATTER WITH HEPATIC CIRRHOSIS; Alpers-Huttenlocher Syndrome; Mitochondrial DNA Depletion Syndrome 4A; Alpers-Huttenlocher Syndrome (AHS). Identifiers: Orphanet 726, MedGen C0205710, MONDO:0008758, OMIM 203700.

Allele frequency attached by ClinVar (database versions not stated): TOPMed 0.00001.
gnomAD v4.1: 3 of 1,613,846 alleles (0.00019%); highest among the groups gnomAD compares: African/African-American, 0.004%; no homozygotes.

Submissions (3):

Ambry Genetics
Classification: Uncertain significance for Inborn genetic diseases. Last evaluated: 2026-06-23. Review status: criteria provided, single submitter. Criteria: Ambry Variant Classification Scheme 2023. Collection method: clinical testing. Allele origin: germline.

Labcorp Genetics (formerly Invitae), Labcorp
Classification: Uncertain significance for Progressive sclerosing poliodystrophy. Last evaluated: 2019-10-01. Review status: criteria provided, single submitter. Criteria: Invitae Variant Classification Sherloc (09022015). Collection method: clinical testing. Allele origin: germline.
Comment: In summary, the available evidence is currently insufficient to determine the role of this variant in disease. Therefore, it has been classified as a Variant of Uncertain Significance. Algorithms developed to predict the effect of missense changes on protein structure and function (SIFT, PolyPhen-2, Align-GVGD) all suggest that this variant is likely to be tolerated, but these predictions have not been confirmed by published functional studies and their clinical significance is uncertain. This variant has not been reported in the literature in individuals with POLG-related conditions. ClinVar contains an entry for this variant (Variation ID: 206504). This variant is not present in population databases (ExAC no frequency). This sequence change replaces glutamine with leucine at codon 666 of the POLG protein (p.Gln666Leu). The glutamine residue is weakly conserved and there is a moderate physicochemical difference between glutamine and leucine.

GeneDx
Classification: Uncertain significance. Last evaluated: 2013-11-01. Review status: criteria provided, single submitter. Criteria: GeneDx Variant Classification (06012015). Collection method: clinical testing. Allele origin: germline. Affected: yes.
Comment: p.Gln666Leu (CAG>CTG): c.1997 A>T in exon 11 of the POLG gene (NM_002693.2). The Gln666Leu missense change in the POLG gene has not been published as a mutation, nor has it been reported as a benign polymorphism to our knowledge. It was not observed in approximately 6,500 individuals of European and African American ancestry in the NHLBI Exome Sequencing Project, indicating it is not a common benign variant in these populations. This variant is a non-conservative amino acid substitution of a polar Glutamine residue with a non-polar Leucine residue. However, it alters a position in the protein that is not conserved across species, and in silico analysis predicts this variant is likely benign. Therefore, based on the currently available information, it is unclear whether Gln666Leu is a disease-causing mutation or a rare benign variant. The variant is found in INFANT-EPI panel(s).

NM_002693.3(POLG):c.1997A>T (p.Gln666Leu)

Gene: POLG (DNA polymerase gamma, catalytic subunit; minus strand). Cytogenetic location: 15q26.1.
Variant type: single nucleotide variant.
Coding change: c.1997A>T on transcript NM_002693.3 (MANE Select); coding-DNA position 1997, A replaced by T.
Protein change: p.Gln666Leu; replaces glutamine 666 with leucine.
Molecular consequence: missense variant.
Genome position (GRCh38, 1-based): chr15:89,324,180, T>A on the plus strand (A>T on the coding strand, the complement: POLG is on the minus strand). VCF-style: chr15-89324180-T-A. GRCh37 (hg19) VCF-style: chr15-89867411-T-A.
Other names: p.Q666L:CAG>CTG; c.1997A>T, p.Gln666Leu (NM_001126131.2); short protein forms Q666L.
Identifiers: ClinVar variation 206504 (VCV000206504.13), dbSNP rs62640029, ClinGen allele CA316654.
Genomic context (GRCh38, chr15:89,324,180, plus strand): 5'-GCACTATTGTCAGTGAGCAGGAACTCCTCCGCCAGGCCGGCCTCCTGGGGCATCAGCTGC[T>A]GCTTCCCCTGTTCGAGACAGTGCTTCCTGTACAGGGACTCGATGGCTCTGGGCAGAGAAC-3'
Protein context (NP_002684.1, residues 656-676): YRKHCLEQGK[Gln666Leu]QLMPQEAGLA